The following is an entry in ClinVar:

NM_014946.4(SPAST):c.1616+1G>C

Gene: SPAST (spastin; plus strand). Cytogenetic location: 2p22.3.
Variant type: single nucleotide variant.
Coding change: c.1616+1G>C on transcript NM_014946.4 (MANE Select); the canonical splice donor site of the intron after coding-DNA position 1616, G replaced by C.
Molecular consequence: splice donor variant.
Genome position (GRCh38, 1-based): chr2:32,143,416, G>C. VCF-style: chr2-32143416-G-C. GRCh37 (hg19) VCF-style: chr2-32368485-G-C.
Other names: c.1520+1G>C (NM_199436.2, NM_001377959.1); c.1613+1G>C (NM_001363823.2); c.1517+1G>C (NM_001363875.2).
Identifiers: ClinVar variation 468570 (VCV000468570.7), dbSNP rs1553319327, ClinGen allele CA346503866.

ClinVar aggregate classification (germline): Pathogenic (1 of 4 stars; one submission).

Conditions:
Hereditary spastic paraplegia 4. Also called: Spastic paraplegia 4, autosomal dominant; Familial spastic paraplegia autosomal dominant 2; Spastic Paraplegia 4. Identifiers: Orphanet 100985, MedGen C1866855, MONDO:0008438, OMIM 182601.

Submission:

Labcorp Genetics (formerly Invitae), Labcorp
Classification: Pathogenic for Hereditary spastic paraplegia 4. Last evaluated: 2022-10-28. Review status: criteria provided, single submitter. Criteria: Invitae Variant Classification Sherloc (09022015). Collection method: clinical testing. Allele origin: germline.
Comment: For these reasons, this variant has been classified as Pathogenic. Algorithms developed to predict the effect of sequence changes on RNA splicing suggest that this variant may disrupt the consensus splice site. ClinVar contains an entry for this variant (Variation ID: 468570). Disruption of this splice site has been observed in individuals with hereditary spastic paraplegia (PMID: 29934652, 31227335). This variant is not present in population databases (gnomAD no frequency). This sequence change affects a donor splice site in intron 14 of the SPAST gene. It is expected to disrupt RNA splicing. Variants that disrupt the donor or acceptor splice site typically lead to a loss of protein function (PMID: 16199547), and loss-of-function variants in SPAST are known to be pathogenic (PMID: 20932283).

Literature cited by the submitters: PubMed 29934652; PubMed 31227335; PubMed 16199547; PubMed 20932283.